The following is an entry in ClinVar:

ClinVar aggregate classification (germline): Likely pathogenic. Review status: criteria provided, multiple submitters, no conflicts (2 of 4 stars). 2 submissions from 2 submitters: Likely pathogenic (2). Last evaluated 2025-04-01.

Conditions:
Harel-Yoon syndrome (HAYOS). Also called: Optic atrophy-peripheral neuropathy-developmental delay syndrome. Identifiers: Orphanet 496790, MedGen C4310677, MONDO:0014958, OMIM 617183.

Allele frequency attached by ClinVar (database versions not stated): TOPMed 0.00001.

Submissions (2):

CeGaT Center for Human Genetics Tuebingen
Classification: Likely pathogenic. Last evaluated: 2025-04-01. Review status: criteria provided, single submitter. Criteria: CeGaT Center For Human Genetics Tuebingen Variant Classification Criteria Version 2. Collection method: clinical testing. Allele origin: germline. Affected: yes. Observed: 2 variant alleles.
Comment: ATAD3A: PM2, PM5, PS2:Moderate

Broad Center for Mendelian Genomics, Broad Institute of MIT and Harvard
Classification: Likely pathogenic for Harel-Yoon syndrome. Last evaluated: 2022-05-04. Review status: criteria provided, single submitter. Criteria: ACMG Guidelines, 2015. Collection method: curation. Allele origin: germline. Inheritance: Autosomal dominant inheritance.
Comment: Trio exome analysis showed this variant to be de novo. The variant has not been previously reported in individuals with Harel-Yoon syndrome and was absent from large population studies. Computational prediction tools and conservation analyses suggest that this variant may impact the protein, though this information is not predictive enough to determine pathogenicity. One additional pathogenic variant, resulting in a different amino acid change at the same position, p.Arg576Trp, has been reported in association with disease in the literature and ClinVar, supporting that a change at this position may not be tolerated (PMID: 27640307/Variation ID: 225696). In summary, although additional studies are required to fully establish its clinical significance, this variant is likely pathogenic. ACMG/AMP Criteria applied: PS2, PM2, PP3, PM5 (Richards 2015).

NM_001170535.3(ATAD3A):c.1583G>A (p.Arg528Gln)

Gene: ATAD3A (ATPase family AAA domain containing 3A; plus strand). Cytogenetic location: 1p36.33.
Variant type: single nucleotide variant.
Coding change: c.1583G>A on transcript NM_001170535.3 (MANE Select); coding-DNA position 1583, G replaced by A.
Protein change: p.Arg528Gln; replaces arginine 528 with glutamine.
Molecular consequence: missense variant.
Genome position (GRCh38, 1-based): chr1:1,529,300, G>A. VCF-style: chr1-1529300-G-A. GRCh37 (hg19) VCF-style: chr1-1464680-G-A.
Other names: NM_018188.4:c.1727G>A; c.1346G>A, p.Arg449Gln (NM_001170536.3); c.1727G>A, p.Arg576Gln (NM_018188.5); short protein forms R449Q, R528Q, R576Q.
Identifiers: ClinVar variation 1679823 (VCV001679823.14), dbSNP rs902213391, ClinGen allele CA16791725.
Genomic context (GRCh38, chr1:1,529,300, plus strand): 5'-AGTTTGACTACGGGAGGAAGTGCTCGGAGGTCGCTCGGCTGACGGAGGGCATGTCGGGCC[G>A]GGAGATCGCTCAGCTGGCCGTGTCCTGGCAGGTGAGTCAGGCTCCGGCACGTCCACCCAG-3'
Protein context (NP_001164006.1, residues 518-538): VARLTEGMSG[Arg528Gln]EIAQLAVSWQ